The following is an entry in ClinVar:

ClinVar aggregate classification (germline): Uncertain significance (1 of 4 stars; one submission).

Conditions:
Hereditary cancer-predisposing syndrome. Also called: Neoplastic Syndromes, Hereditary; Hereditary Cancer Syndrome; Hereditary neoplastic syndrome; Tumor predisposition. Identifiers: Orphanet 140162, MedGen C0027672, MeSH D009386, MONDO:0015356.

Allele frequency attached by ClinVar (database versions not stated): gnomAD exomes 0.00001.
gnomAD v4.1: 8 of 1,613,712 alleles (0.0005%); highest among the groups gnomAD compares: Non-Finnish European, 0.00068%; no homozygotes.

Submission:

Ambry Genetics
Classification: Uncertain significance for Hereditary cancer-predisposing syndrome. Last evaluated: 2025-08-30. Review status: criteria provided, single submitter. Criteria: Ambry Variant Classification Scheme 2023. Collection method: clinical testing. Allele origin: germline.
Comment: The p.V446M variant (also known as c.1336G>A), located in coding exon 13 of the FANCC gene, results from a G to A substitution at nucleotide position 1336. The valine at codon 446 is replaced by methionine, an amino acid with highly similar properties. This amino acid position is conserved. In addition, this alteration is predicted to be tolerated by in silico analysis. Since supporting evidence is limited at this time, the clinical significance of this alteration remains unclear.

NM_000136.3(FANCC):c.1336G>A (p.Val446Met)

Genes: FANCC (FA complementation group C; minus strand), AOPEP (aminopeptidase O (putative); plus strand). Cytogenetic location: 9q22.32.
Variant type: single nucleotide variant.
Coding change: c.1336G>A on transcript NM_000136.3 (MANE Select); coding-DNA position 1336, G replaced by A.
Protein change: p.Val446Met; replaces valine 446 with methionine.
Molecular consequence: missense variant.
Genome position (GRCh38, 1-based): chr9:95,107,263, C>T on the plus strand (G>A on the coding strand, the complement: FANCC is on the minus strand). VCF-style: chr9-95107263-C-T. GRCh37 (hg19) VCF-style: chr9-97869545-C-T.
Other names: c.1336G>A, p.Val446Met (NM_001243743.2); short protein forms V446M.
Identifiers: ClinVar variation 2560854 (VCV002560854.3), dbSNP rs1564641759, ClinGen allele CA374106284.